The following is an entry in ClinVar:

ClinVar aggregate classification (germline): Uncertain significance (1 of 4 stars; one submission).

Allele frequency attached by ClinVar (database versions not stated): gnomAD exomes below 0.00001; ExAC 0.00001.
gnomAD v4.1: 1 of 1,613,874 alleles (0.000062%); highest among the groups gnomAD compares: Non-Finnish European, 0.000085%; no homozygotes.

Submission:

Labcorp Genetics (formerly Invitae), Labcorp
Classification: Uncertain significance. Last evaluated: 2022-06-17. Review status: criteria provided, single submitter. Criteria: Invitae Variant Classification Sherloc (09022015). Collection method: clinical testing. Allele origin: germline.
Comment: In summary, the available evidence is currently insufficient to determine the role of this variant in disease. Therefore, it has been classified as a Variant of Uncertain Significance. Advanced modeling of protein sequence and biophysical properties (such as structural, functional, and spatial information, amino acid conservation, physicochemical variation, residue mobility, and thermodynamic stability) performed at Invitae indicates that this missense variant is not expected to disrupt FAT4 protein function. This variant has not been reported in the literature in individuals affected with FAT4-related conditions. This variant is present in population databases (rs752055894, gnomAD 0.0009%). This sequence change replaces isoleucine, which is neutral and non-polar, with valine, which is neutral and non-polar, at codon 1797 of the FAT4 protein (p.Ile1797Val).

NM_001291303.3(FAT4):c.5389A>G (p.Ile1797Val)

Gene: FAT4 (FAT atypical cadherin 4; plus strand). Cytogenetic location: 4q28.1.
Variant type: single nucleotide variant.
Coding change: c.5389A>G on transcript NM_001291303.3 (MANE Select); coding-DNA position 5389, A replaced by G.
Protein change: p.Ile1797Val; replaces isoleucine 1797 with valine.
Molecular consequence: missense variant.
Genome position (GRCh38, 1-based): chr4:125,406,961, A>G. VCF-style: chr4-125406961-A-G. GRCh37 (hg19) VCF-style: chr4-126328116-A-G.
Other names: c.5389A>G, p.Ile1797Val (NM_001291285.3, NM_024582.6); short protein forms I1797V.
Identifiers: ClinVar variation 2112384 (VCV002112384.4), dbSNP rs752055894, ClinGen allele CA3072704.
Genomic context (GRCh38, chr4:125,406,961, plus strand): 5'-TACACTATCATTAGTGGAGCTGATGATAGTTTTCGCATCGACCCAGAATCCGGAGATCTG[A>G]TAGCAACCAGGCGGTTGGACAGGGAACGCCGCTCCAAATATTCACTGCTAGTTCGTGCTG-3'
Protein context (NP_001278232.1, residues 1787-1807): FRIDPESGDL[Ile1797Val]ATRRLDRERR